The following is an entry in ClinVar:

NM_024312.5(GNPTAB):c.249_267dup (p.Leu90delinsTrpHisArgSerTer)

Gene: GNPTAB (N-acetylglucosamine-1-phosphate transferase subunits alpha and beta; minus strand). Cytogenetic location: 12q23.2.
Variant type: Duplication.
Coding change: c.249_267dup on transcript NM_024312.5 (MANE Select); coding-DNA positions 249 to 267, 19 bases duplicated (TGGCACAGATCTTGAACTA).
Protein change: p.Leu90delinsTrpHisArgSerTer.
Molecular consequence: nonsense.
Genome position (GRCh38, 1-based): chr12:101,789,994-101,790,012, TAGTTCAAGATCTGTGCCA duplicated on the plus strand (TGGCACAGATCTTGAACTA on the coding strand, the reverse complement: GNPTAB is on the minus strand); duplicating any 19 consecutive bases within chr12:101,789,994-101,790,013 gives the same sequence; the c. name uses the placement nearest the transcript's 3' end. VCF-style (leftmost placement, unchanged base first): chr12-101789993-G-GTAGTTCAAGATCTGTGCCA. GRCh37 (hg19) VCF-style: chr12-102183771-G-GTAGTTCAAGATCTGTGCCA.
Identifiers: ClinVar variation 2943942 (VCV002943942.4), dbSNP rs2547972361, ClinGen allele CA2740092584.

ClinVar aggregate classification (germline): Pathogenic. Review status: criteria provided, multiple submitters, no conflicts (2 of 4 stars). 2 submissions from 2 submitters: Pathogenic (2). Last evaluated 2023-02-04.

Conditions:
Pseudo-Hurler polydystrophy. Also called: ML III; ML III ALPHA/BETA; Type III Mucolipidosis; ML IIIA; Mucolipidosis III Alpha/Beta; MUCOLIPIDOSIS IIIA. Identifiers: Orphanet 423461, Orphanet 577, MedGen C0033788, MONDO:0018931, OMIM 252600.
Mucolipidosis type II. Also called: ML II ALPHA/BETA; Mucolipidosis 2; ML 2; Inclusion cell disease; Leroy Disease; N-acetylglucosamine 1phosphotransferase deficiency. Identifiers: Orphanet 576, MedGen C2673377, MONDO:0009650, OMIM 252500.

Submissions (2):

Labcorp Genetics (formerly Invitae), Labcorp
Classification: Pathogenic for Pseudo-Hurler polydystrophy; Mucolipidosis type II. Last evaluated: 2023-02-04. Review status: criteria provided, single submitter. Criteria: Invitae Variant Classification Sherloc (09022015). Collection method: clinical testing. Allele origin: germline.
Comment: This sequence change creates a premature translational stop signal (p.Leu90Trpfs*5) in the GNPTAB gene. It is expected to result in an absent or disrupted protein product. Loss-of-function variants in GNPTAB are known to be pathogenic (PMID: 19617216, 25107912). This variant is not present in population databases (gnomAD no frequency). For these reasons, this variant has been classified as Pathogenic. This variant has not been reported in the literature in individuals affected with GNPTAB-related conditions.

Kasturba Medical College, Manipal, Kasturba Medical College, Manipal, Manipal Academy of Higher Education, Manipal, India
Classification: Pathogenic for Pseudo-Hurler polydystrophy. Review status: criteria provided, single submitter. Criteria: ACMG Guidelines, 2015. Collection method: research. Allele origin: paternal. Inheritance: Autosomal recessive inheritance. Affected: yes. Observed: 1 heterozygote.
Comment: The paternally inherited variant c.249_267dup is absent in gnomAD population (v4.1.0) database and our in-house data of 3596 exomes. This duplication results in frameshift leading to a premature termination codon. This may lead to nonsense mediated mRNA decay or premature truncation of the protein.

Literature cited by the submitters: PubMed 19617216 (cited by Labcorp Genetics (formerly Invitae), Labcorp); PubMed 25107912 (cited by Labcorp Genetics (formerly Invitae), Labcorp); PubMed 27710913 (cited by Kasturba Medical College, Manipal, Kasturba Medical College, Manipal, Manipal Academy of Higher Education, Manipal, India); PMC 24375680 (cited by Kasturba Medical College, Manipal, Kasturba Medical College, Manipal, Manipal Academy of Higher Education, Manipal, India).